The following is an entry in ClinVar:

NM_001193329.3(AOPEP):c.1215del (p.Val406fs)

Gene: AOPEP (aminopeptidase O (putative); plus strand). Cytogenetic location: 9q22.32.
Variant type: Deletion.
Coding change: c.1215del on transcript NM_001193329.3 (MANE Select); coding-DNA position 1215, one base deleted (T; older notation c.1215delT).
Protein change: p.Val406fs; shifts the reading frame from valine 406.
Molecular consequence: frameshift variant. On other transcripts: non-coding transcript variant (5).
Genome position (GRCh38, 1-based): chr9:94,800,853, T deleted. VCF-style (leftmost placement, unchanged base first): chr9-94800852-CT-C. GRCh37 (hg19) VCF-style: chr9-97563134-CT-C.
Other names: c.1215del, p.Val406fs (NM_001193331.3, NM_001386063.2, NM_001386066.1 and 10 more transcripts); c.222del, p.Val75fs (NM_001386061.1); c.894del, p.Val299fs (NM_001386062.2); c.345del, p.Val116fs (NM_001386073.1); short protein forms V116fs, V299fs, V406fs, V75fs.
Identifiers: ClinVar variation 1319962 (VCV001319962.3), dbSNP rs747916174, ClinGen allele CA5136710.
Genomic context (GRCh38, chr9:94,800,852, plus strand): 5'-GCCGCTTCCAGAATGCTTCTGCCACCACCCAGGAGATCATTCCTCATCGGGTCTTTGCCC[CT>C]GTGTGCCTCACGGGTGCCTGCCAAGAGACCCTTCTGCGGCTGATCCCTCCTTGCCTCTCA-3'

ClinVar aggregate classification (germline): Likely pathogenic. Review status: criteria provided, single submitter (1 of 4 stars). 2 submissions from 2 submitters: Likely pathogenic (1). 1 of the submissions does not count toward it. Last evaluated 2023-07-18.

Conditions:
AOPEP-related disorder. Also called: AOPEP-related condition.
Dystonia 31. Also called: ZECH-BOESCH SYNDROME. Identifiers: MedGen C5562001, MONDO:0030455, OMIM 619565.

Allele frequency attached by ClinVar (database versions not stated): gnomAD 0.00003; ExAC 0.00004; TOPMed 0.00004; gnomAD exomes 0.00006; ESP Exome Variant Server 0.00016.

Submissions (2):

PreventionGenetics, part of Exact Sciences
Classification: Likely pathogenic for AOPEP-related condition. Last evaluated: 2023-07-18. Review status: criteria provided, single submitter. Criteria: ACMG Guidelines, 2015. Collection method: clinical testing. Allele origin: germline.
Comment: The AOPEP c.1215delT variant is predicted to result in a frameshift and premature protein termination (p.Val406Cysfs*14). This variant was reported, along with another pathogenic variant, in an individual with dystonia (Zech et al. 2022. PubMed ID: 34596301). This variant is reported in 0.011% of alleles in individuals of European (Non-Finnish) descent in gnomAD. Frameshift variants in AOPEP are expected to be pathogenic. This variant is interpreted as likely pathogenic.

OMIM
Classification: Pathogenic for DYSTONIA 31. Last evaluated: 2022-01-28. Review status: no assertion criteria provided. Collection method: literature only. Allele origin: germline. Not counted in ClinVar's aggregate classification.

Literature cited by the submitters: PubMed 34596301 (cited by OMIM).